The following is an entry in ClinVar:

NM_033159.4(HYAL1):c.85_88dup (p.Arg30fs)

Gene: HYAL1 (hyaluronidase 1; minus strand). Cytogenetic location: 3p21.31.
Variant type: Duplication.
Coding change: c.85_88dup on transcript NM_033159.4 (MANE Select); coding-DNA positions 85 to 88, 4 bases duplicated (AACC; older notation c.85_88dupAACC).
Protein change: p.Arg30fs; shifts the reading frame from arginine 30.
Molecular consequence: frameshift variant. On other transcripts: non-coding transcript variant (1), intron variant (2).
Genome position (GRCh38, 1-based): chr3:50,302,869-50,302,872, GGTT duplicated on the plus strand (AACC on the coding strand, the reverse complement: HYAL1 is on the minus strand); duplicating any 4 consecutive bases within chr3:50,302,869-50,302,874 gives the same sequence; the c. name uses the placement nearest the transcript's 3' end. VCF-style (leftmost placement, unchanged base first): chr3-50302868-C-CGGTT. GRCh37 (hg19) VCF-style: chr3-50340299-C-CGGTT.
Other names: c.83_86dup, p.Arg30Glnfs (NM_007312.3); c.85_88dup, p.Arg30fs (NM_153281.2, NM_153282.3); c.-27+594_-27+597dup (NM_153285.3); c.-213-249_-213-246dup (NM_153283.3); short protein forms R30fs.
Identifiers: ClinVar variation 3016878 (VCV003016878.3), dbSNP rs782351974, ClinGen allele CA2416018.

ClinVar aggregate classification (germline): Pathogenic (1 of 4 stars; one submission).

Conditions:
Deficiency of hyaluronoglucosaminidase (MPS9). Also called: HYALURONIDASE DEFICIENCY; Mucopolysaccharidosis type 9; MPS IX. Identifiers: Orphanet 67041, MedGen C1291490, MONDO:0011093, OMIM 601492.

Submission:

Labcorp Genetics (formerly Invitae), Labcorp
Classification: Pathogenic for Deficiency of hyaluronoglucosaminidase. Last evaluated: 2026-01-11. Review status: criteria provided, single submitter. Criteria: Invitae Variant Classification Sherloc (09022015). Collection method: clinical testing. Allele origin: germline.
Comment: This sequence change creates a premature translational stop signal (p.Arg30Glnfs*42) in the HYAL1 gene. It is expected to result in an absent or disrupted protein product. Loss-of-function variants in HYAL1 are known to be pathogenic (PMID: 10339581, 21559944). This variant is present in population databases (rs782351974, gnomAD 0.003%). This variant has not been reported in the literature in individuals affected with HYAL1-related conditions. ClinVar contains an entry for this variant (Variation ID: 3016878). For these reasons, this variant has been classified as Pathogenic.

Literature cited by the submitters: PubMed 10339581; PubMed 21559944.